The following is an entry in ClinVar:

ClinVar aggregate classification (germline): Uncertain significance. Review status: criteria provided, multiple submitters, no conflicts (2 of 4 stars). 2 submissions from 2 submitters: Uncertain significance (2). Last evaluated 2024-05-29.

Conditions:
Inborn genetic diseases. Identifiers: MedGen C0950123, MeSH D030342.
Joubert syndrome 21 (JBTS21). Identifiers: MedGen C3810212, MONDO:0014288, OMIM 615636.

Allele frequency attached by ClinVar (database versions not stated): gnomAD exomes below 0.00001.
gnomAD v4.1: 1 of 1,614,232 alleles (0.000062%); highest among the groups gnomAD compares: Non-Finnish European, 0.000085%; no homozygotes.

Submissions (2):

Ambry Genetics
Classification: Uncertain significance for Inborn genetic diseases. Last evaluated: 2024-05-29. Review status: criteria provided, single submitter. Criteria: Ambry Variant Classification Scheme 2023. Collection method: clinical testing. Allele origin: germline.

Labcorp Genetics (formerly Invitae), Labcorp
Classification: Uncertain significance for Joubert syndrome 21. Last evaluated: 2022-08-16. Review status: criteria provided, single submitter. Criteria: Invitae Variant Classification Sherloc (09022015). Collection method: clinical testing. Allele origin: germline.
Comment: This variant is not present in population databases (gnomAD no frequency). In summary, the available evidence is currently insufficient to determine the role of this variant in disease. Therefore, it has been classified as a Variant of Uncertain Significance. Algorithms developed to predict the effect of missense changes on protein structure and function (SIFT, PolyPhen-2, Align-GVGD) all suggest that this variant is likely to be tolerated. ClinVar contains an entry for this variant (Variation ID: 1485035). This variant has not been reported in the literature in individuals affected with CSPP1-related conditions. This sequence change replaces glutamine, which is neutral and polar, with arginine, which is basic and polar, at codon 1202 of the CSPP1 protein (p.Gln1202Arg).

NM_001382391.1(CSPP1):c.3620A>G (p.Gln1207Arg)

Genes: ARFGEF1 (ARF guanine nucleotide exchange factor 1; minus strand), CSPP1 (centrosome and spindle pole associated protein 1; plus strand). Cytogenetic location: 8q13.2.
Variant type: single nucleotide variant.
Coding change: c.3620A>G on transcript NM_001382391.1 (MANE Select); coding-DNA position 3620, A replaced by G.
Protein change: p.Gln1207Arg; replaces glutamine 1207 with arginine.
Molecular consequence: missense variant. On other transcripts: 3 prime UTR variant (1), intron variant (2).
Genome position (GRCh38, 1-based): chr8:67,195,532, A>G. VCF-style: chr8-67195532-A-G. GRCh37 (hg19) VCF-style: chr8-68107767-A-G.
Other names: c.2570A>G, p.Gln857Arg (NM_001291339.2); c.3539A>G, p.Gln1180Arg (NM_001363131.2); c.3425A>G, p.Gln1142Arg (NM_001363132.2); c.3344A>G, p.Gln1115Arg (NM_001363133.2); c.3686A>G, p.Gln1229Arg (NM_001364869.1); c.3506A>G, p.Gln1169Arg (NM_001364870.1); c.3452A>G, p.Gln1151Arg (NM_001438330.1); c.*112A>G (NM_001438331.1); and 4 more; short protein forms Q1180R, Q1169R, Q1207R, Q1142R, Q1202R, Q1229R, Q1115R, Q857R.
Identifiers: ClinVar variation 1485035 (VCV001485035.5), dbSNP rs1026132903, ClinGen allele CA178219991.